The following is an entry in ClinVar:

NM_012479.4(YWHAG):c.461A>G (p.Tyr154Cys)

Gene: YWHAG (tyrosine 3-monooxygenase/tryptophan 5-monooxygenase activation protein gamma; minus strand). Cytogenetic location: 7q11.23.
Variant type: single nucleotide variant.
Coding change: c.461A>G on transcript NM_012479.4 (MANE Select); coding-DNA position 461, A replaced by G.
Protein change: p.Tyr154Cys; replaces tyrosine 154 with cysteine.
Molecular consequence: missense variant.
Genome position (GRCh38, 1-based): chr7:76,329,860, T>C on the plus strand (A>G on the coding strand, the complement: YWHAG is on the minus strand). VCF-style: chr7-76329860-T-C. GRCh37 (hg19) VCF-style: chr7-75959177-T-C.
Other names: short protein forms Y154C.
Identifiers: ClinVar variation 3901208 (VCV003901208.1).

ClinVar aggregate classification (germline): Uncertain significance (1 of 4 stars; one submission).

Conditions:
Developmental and epileptic encephalopathy, 56. Also called: EPILEPTIC ENCEPHALOPATHY, EARLY INFANTILE, 56. Identifiers: MedGen C4540034, MONDO:0033365, OMIM 617665.

Submission:

Institute of Human Genetics, University of Leipzig Medical Center
Classification: Uncertain significance for Developmental and epileptic encephalopathy, 56. Last evaluated: 2025-04-03. Review status: criteria provided, single submitter. Criteria: ACMG Guidelines, 2015. Collection method: clinical testing. Allele origin: unknown. Inheritance: Autosomal dominant inheritance. Affected: yes.
Comment: Criteria applied: PM2,PP3